The following is an entry in ClinVar:

NM_007286.6(SYNPO):c.2387C>T (p.Pro796Leu)

Genes: SYNPO (synaptopodin; plus strand), LOC129995011 (ATAC-STARR-seq lymphoblastoid silent region 16516; plus strand). Cytogenetic location: 5q33.1.
Variant type: single nucleotide variant.
Coding change: c.2387C>T on transcript NM_007286.6 (MANE Select); coding-DNA position 2387, C replaced by T.
Protein change: p.Pro796Leu; replaces proline 796 with leucine.
Molecular consequence: missense variant.
Genome position (GRCh38, 1-based): chr5:150,656,762, C>T. VCF-style: chr5-150656762-C-T. GRCh37 (hg19) VCF-style: chr5-150036324-C-T.
Other names: short protein forms P796L.
Identifiers: ClinVar variation 2076965 (VCV002076965.29), dbSNP rs866518214, ClinGen allele CA129156136.

ClinVar aggregate classification (germline): Conflicting classifications of pathogenicity. Review status: criteria provided, conflicting classifications (1 of 4 stars). 3 submissions from 3 submitters: Uncertain significance (2); Likely benign (1). Last evaluated 2025-07-06.

Allele frequency attached by ClinVar (database versions not stated): gnomAD 0.00014.
gnomAD v4.1: 169 of 1,221,056 alleles (0.014%); highest among the groups gnomAD compares: Middle Eastern, 0.77%; 1 homozygote.

Submissions (3):

Labcorp Genetics (formerly Invitae), Labcorp
Classification: Uncertain significance. Last evaluated: 2025-07-06. Review status: criteria provided, single submitter. Criteria: Invitae Variant Classification Sherloc (09022015). Collection method: clinical testing. Allele origin: germline.
Comment: This sequence change replaces proline, which is neutral and non-polar, with leucine, which is neutral and non-polar, at codon 796 of the SYNPO protein (p.Pro796Leu). The frequency data for this variant in the population databases is considered unreliable, as metrics indicate poor data quality at this position in the gnomAD database. This variant has not been reported in the literature in individuals affected with SYNPO-related conditions. ClinVar contains an entry for this variant (Variation ID: 2076965). An algorithm developed to predict the effect of missense changes on protein structure and function (PolyPhen-2) suggests that this variant is likely to be tolerated. In summary, the available evidence is currently insufficient to determine the role of this variant in disease. Therefore, it has been classified as a Variant of Uncertain Significance.

CeGaT Center for Human Genetics Tuebingen
Classification: Likely benign. Last evaluated: 2022-05-01. Review status: criteria provided, single submitter. Criteria: CeGaT Center For Human Genetics Tuebingen Variant Classification Criteria Version 2. Collection method: clinical testing. Allele origin: germline. Affected: yes. Observed: 1 variant allele.
Comment: SYNPO: BP4

Ambry Genetics
Classification: Uncertain significance. Last evaluated: 2021-07-13. Review status: criteria provided, single submitter. Criteria: Ambry Variant Classification Scheme 2023. Collection method: clinical testing. Allele origin: germline.